The following is an entry in ClinVar:

NM_173648.4(CCDC141):c.752T>G (p.Ile251Arg)

Gene: CCDC141 (coiled-coil domain containing 141; minus strand). Cytogenetic location: 2q31.2.
Variant type: single nucleotide variant.
Coding change: c.752T>G on transcript NM_173648.4 (MANE Select); coding-DNA position 752, T replaced by G.
Protein change: p.Ile251Arg; replaces isoleucine 251 with arginine.
Molecular consequence: missense variant.
Genome position (GRCh38, 1-based): chr2:178,961,258, A>C on the plus strand (T>G on the coding strand, the complement: CCDC141 is on the minus strand). VCF-style: chr2-178961258-A-C. GRCh37 (hg19) VCF-style: chr2-179825985-A-C.
Other names: c.752T>G, p.Ile251Arg (NM_001316745.2); short protein forms I251R.
Identifiers: ClinVar variation 2030884 (VCV002030884.4), dbSNP rs2536288322, ClinGen allele CA349712640.

ClinVar aggregate classification (germline): Uncertain significance (1 of 4 stars; one submission).

Allele frequency attached by ClinVar (database versions not stated): gnomAD exomes below 0.00001.
gnomAD v4.1: 2 of 1,550,418 alleles (0.00013%); highest among the groups gnomAD compares: Non-Finnish European, 0.00017%; no homozygotes.

Submission:

Labcorp Genetics (formerly Invitae), Labcorp
Classification: Uncertain significance. Last evaluated: 2022-09-20. Review status: criteria provided, single submitter. Criteria: Invitae Variant Classification Sherloc (09022015). Collection method: clinical testing. Allele origin: germline.
Comment: In summary, the available evidence is currently insufficient to determine the role of this variant in disease. Therefore, it has been classified as a Variant of Uncertain Significance. Algorithms developed to predict the effect of missense changes on protein structure and function are either unavailable or do not agree on the potential impact of this missense change (SIFT: "Deleterious"; PolyPhen-2: "Possibly Damaging"; Align-GVGD: "Class C0"). This variant has not been reported in the literature in individuals affected with CCDC141-related conditions. This variant is not present in population databases (gnomAD no frequency). This sequence change replaces isoleucine, which is neutral and non-polar, with arginine, which is basic and polar, at codon 251 of the CCDC141 protein (p.Ile251Arg).